The following is an entry in ClinVar:

NM_012079.6(DGAT1):c.688AAG[1] (p.Lys231del)

Gene: DGAT1 (diacylglycerol O-acyltransferase 1; minus strand). Cytogenetic location: 8q24.3.
Variant type: Microsatellite.
Coding change: c.688AAG[1] on transcript NM_012079.6 (MANE Select); one copy of the 3-base unit AAG starting at c.688; the reference has two copies in a row; one copy, 3 bases deleted.
Protein change: p.Lys231del; deletes lysine 231.
Molecular consequence: inframe deletion.
Genome position (GRCh38, 1-based): chr8:144,318,153-144,318,155, CTT deleted on the plus strand (AAG on the coding strand, the reverse complement: DGAT1 is on the minus strand); deleting any 3 consecutive bases within chr8:144,318,153-144,318,159 gives the same sequence; the position shown is the placement nearest the transcript's 3' end. VCF-style (leftmost placement, unchanged base first): chr8-144318152-CCTT-C. GRCh37 (hg19) VCF-style: chr8-145541815-CCTT-C.
Other names: short protein forms K231del.
Identifiers: ClinVar variation 1363965 (VCV001363965.6), dbSNP rs782733856, ClinGen allele CA4936892.

ClinVar aggregate classification (germline): Uncertain significance (1 of 4 stars; one submission).

Submission:

Labcorp Genetics (formerly Invitae), Labcorp
Classification: Uncertain significance. Last evaluated: 2021-02-24. Review status: criteria provided, single submitter. Criteria: Invitae Variant Classification Sherloc (09022015). Collection method: clinical testing. Allele origin: germline.
Comment: This variant has not been reported in the literature in individuals with DGAT1-related conditions. In summary, the available evidence is currently insufficient to determine the role of this variant in disease. Therefore, it has been classified as a Variant of Uncertain Significance. Experimental studies and prediction algorithms are not available or were not evaluated, and the functional significance of this variant is currently unknown. This variant is present in population databases (rs782733856, ExAC 0.01%). This variant, c.691_693del, results in the deletion of 1 amino acid(s) of the DGAT1 protein (p.Lys231del), but otherwise preserves the integrity of the reading frame.